The following is an entry in ClinVar:

NM_015443.4(KANSL1):c.2542-1G>A

Gene: KANSL1 (KAT8 regulatory NSL complex subunit 1). Cytogenetic location: 17q21.31.
Variant type: single nucleotide variant.
Coding change: c.2542-1G>A on transcript NM_015443.4 (MANE Select); the canonical splice acceptor site of the intron before coding-DNA position 2542, G replaced by A.
Molecular consequence: splice acceptor variant. On other transcripts: intron variant (10).
Genome position (GRCh38, 1-based): chr17:46,034,286, C>T on the plus strand (G>A on the coding strand, the complement: KANSL1 is on the minus strand). VCF-style: chr17-46034286-C-T. GRCh37 (hg19) VCF-style: chr17-44111652-C-T.
Other names: c.1087-4G>A (NM_001405885.1); c.1087-1G>A (NM_001405884.1); c.1276-4G>A (NM_001405883.1); c.1276-1G>A (NM_001405882.1); c.2440-4G>A (NM_001405881.1, NM_001405861.1); c.2440-1G>A (NM_001405859.1, NM_001405860.1); c.2353-4G>A (NM_001405879.1, NM_001405880.1); c.2353-1G>A (NM_001405875.1, NM_001405878.1, NM_001405877.1 and 1 more transcripts); and 2 more.
Identifiers: ClinVar variation 1333700 (VCV001333700.10), dbSNP rs111514883, ClinGen allele CA291128164.

ClinVar aggregate classification (germline): Conflicting classifications of pathogenicity. Review status: criteria provided, conflicting classifications (1 of 4 stars). 3 submissions from 3 submitters: Likely pathogenic (1); Uncertain significance (1); Likely benign (1). Last evaluated 2025-08-11.

Conditions:
Koolen-de Vries syndrome (KDVS). Identifiers: Orphanet 96169, MedGen C1864871, MONDO:0012496, OMIM 610443.

Allele frequency attached by ClinVar (database versions not stated): gnomAD exomes below 0.00001.
gnomAD v4.1: 5 of 1,613,298 alleles (0.00031%); highest among the groups gnomAD compares: African/African-American, 0.004%; no homozygotes.

Submissions (3):

Labcorp Genetics (formerly Invitae), Labcorp
Classification: Likely pathogenic for Koolen-de Vries syndrome. Last evaluated: 2025-08-11. Review status: criteria provided, single submitter. Criteria: Invitae Variant Classification Sherloc (09022015). Collection method: clinical testing. Allele origin: germline.
Comment: This sequence change affects an acceptor splice site in intron 10 of the KANSL1 gene. It is expected to disrupt RNA splicing. Variants that disrupt the donor or acceptor splice site typically lead to a loss of protein function (PMID: 16199547), and loss-of-function variants in KANSL1 are known to be pathogenic (PMID: 22544363, 22544367). This variant is not present in population databases (gnomAD no frequency). Disruption of this splice site has been observed in individual(s) with KANSL1-related conditions (internal data). ClinVar contains an entry for this variant (Variation ID: 1333700). Algorithms developed to predict the effect of sequence changes on RNA splicing suggest that this variant may disrupt the consensus splice site. In summary, the currently available evidence indicates that the variant is pathogenic, but additional data are needed to prove that conclusively. Therefore, this variant has been classified as Likely Pathogenic.

Dasa
Classification: Uncertain significance. Last evaluated: 2025-07-03. Review status: criteria provided, single submitter. Criteria: DASA Assertion Criteria. Collection method: clinical testing. Allele origin: germline.
Comment: NM_015443.4(KANSL1):c.2542-1G>A affects a canonical splice site and is predicted to disrupt normal RNA splicing. This variant has been reported in individuals with KANSL1-related disorders. Also, this variant is rare in population databases. The currently available literature and clinical evidence are not sufficient to establish a definitive association between this variant and the reported condition. Therefore, this variant is classified as a variant of uncertain significance.

3billion
Classification: Likely benign for Koolen-de Vries syndrome. Last evaluated: 2024-07-30. Review status: criteria provided, single submitter. Criteria: ACMG Guidelines, 2015. Collection method: clinical testing. Allele origin: germline. Affected: no.
Comment: The variant was observed in gnomAD v4.1.0(allele count: 5, allele frequency 0.0003%), and in individuals without associated symptoms to Koolen-De Vries syndrome(3billion dataset). Therefore, this variant is classified as likely benign according to the recommendation of ACMG/AMP guideline.

Literature cited by the submitters: PubMed 16199547 (cited by Labcorp Genetics (formerly Invitae), Labcorp); PubMed 22544363 (cited by Labcorp Genetics (formerly Invitae), Labcorp); PubMed 22544367 (cited by Labcorp Genetics (formerly Invitae), Labcorp).